The following is an entry in ClinVar:

NM_000179.3(MSH6):c.2232G>C (p.Glu744Asp)

Gene: MSH6 (mutS homolog 6; plus strand). Cytogenetic location: 2p16.3.
Variant type: single nucleotide variant.
Coding change: c.2232G>C on transcript NM_000179.3 (MANE Select); coding-DNA position 2232, G replaced by C.
Protein change: p.Glu744Asp; replaces glutamic acid 744 with aspartic acid.
Molecular consequence: missense variant.
Genome position (GRCh38, 1-based): chr2:47,800,215, G>C. VCF-style: chr2-47800215-G-C. GRCh37 (hg19) VCF-style: chr2-48027354-G-C.
Other names: c.1842G>C, p.Glu614Asp (NM_001281492.2); c.1326G>C, p.Glu442Asp (NM_001281493.2, NM_001281494.2, NM_001406811.1 and 6 more transcripts); c.2328G>C, p.Glu776Asp (NM_001406795.1, NM_001406802.1); c.2232G>C, p.Glu744Asp (NM_001406796.1, NM_001406798.1, NM_001406800.1 and 3 more transcripts); c.1935G>C, p.Glu645Asp (NM_001406797.1, NM_001406801.1, NM_001406805.1 and 10 more transcripts); c.1707G>C, p.Glu569Asp (NM_001406799.1, NM_001406806.1, NM_001406807.1); c.2154G>C, p.Glu718Asp (NM_001406804.1); c.2238G>C, p.Glu746Asp (NM_001406813.1); and 1 more; short protein forms E614D, E746D, E776D, E645D, E442D, E718D, E744D, E569D.
Identifiers: ClinVar variation 1788141 (VCV001788141.9), dbSNP rs2104395465, ClinGen allele CA346752518.

ClinVar aggregate classification (germline): Uncertain significance. Review status: criteria provided, multiple submitters, no conflicts (2 of 4 stars). 2 submissions from 2 submitters: Uncertain significance (2). Last evaluated 2025-12-13.

Conditions:
Hereditary nonpolyposis colorectal neoplasms. Identifiers: MedGen C0009405, MeSH D003123.
Hereditary cancer-predisposing syndrome. Also called: Neoplastic Syndromes, Hereditary; Tumor predisposition; Hereditary Cancer Syndrome; Hereditary neoplastic syndrome. Identifiers: Orphanet 140162, MedGen C0027672, MeSH D009386, MONDO:0015356.

Submissions (2):

Ambry Genetics
Classification: Uncertain significance for Hereditary cancer-predisposing syndrome. Last evaluated: 2025-12-13. Review status: criteria provided, single submitter. Criteria: Ambry Variant Classification Scheme 2023. Collection method: clinical testing. Allele origin: germline.
Comment: The p.E744D variant (also known as c.2232G>C), located in coding exon 4 of the MSH6 gene, results from a G to C substitution at nucleotide position 2232. The glutamic acid at codon 744 is replaced by aspartic acid, an amino acid with highly similar properties. This amino acid position is highly conserved in available vertebrate species. In addition, this alteration is predicted to be deleterious by in silico analysis. Since supporting evidence is limited at this time, the clinical significance of this alteration remains unclear.

Labcorp Genetics (formerly Invitae), Labcorp
Classification: Uncertain significance for Hereditary nonpolyposis colorectal neoplasms. Last evaluated: 2023-04-25. Review status: criteria provided, single submitter. Criteria: Invitae Variant Classification Sherloc (09022015). Collection method: clinical testing. Allele origin: germline.
Comment: ClinVar contains an entry for this variant (Variation ID: 1788141). Advanced modeling of protein sequence and biophysical properties (such as structural, functional, and spatial information, amino acid conservation, physicochemical variation, residue mobility, and thermodynamic stability) performed at Invitae indicates that this missense variant is not expected to disrupt MSH6 protein function. In summary, the available evidence is currently insufficient to determine the role of this variant in disease. Therefore, it has been classified as a Variant of Uncertain Significance. This sequence change replaces glutamic acid, which is acidic and polar, with aspartic acid, which is acidic and polar, at codon 744 of the MSH6 protein (p.Glu744Asp). This variant is not present in population databases (gnomAD no frequency). This variant has not been reported in the literature in individuals affected with MSH6-related conditions.